The following is an entry in ClinVar:

ClinVar aggregate classification (germline): Uncertain significance. Review status: criteria provided, multiple submitters, no conflicts (2 of 4 stars). 2 submissions from 2 submitters: Uncertain significance (2). Last evaluated 2023-10-13.

Allele frequency attached by ClinVar (database versions not stated): gnomAD 0.00001; gnomAD exomes 0.00003 and 0.00004; TOPMed 0.00003; ExAC 0.00004.
gnomAD v4.1: 50 of 1,613,776 alleles (0.0031%); highest among the groups gnomAD compares: Middle Eastern, 0.016%; no homozygotes.

Submissions (2):

Women's Health and Genetics/Laboratory Corporation of America, LabCorp
Classification: Uncertain significance. Last evaluated: 2023-10-13. Review status: criteria provided, single submitter. Criteria: LabCorp Variant Classification Summary - May 2015. Collection method: clinical testing. Allele origin: germline.
Comment: Variant summary: CENPF c.117T>G (p.Phe39Leu) results in a non-conservative amino acid change located in the Centromere protein Cenp-F, N-terminal domain (IPR018463) of the encoded protein sequence. Three of five in-silico tools predict a damaging effect of the variant on protein function. The variant allele was found at a frequency of 4e-05 in 250870 control chromosomes. c.117T>G has been reported in the literature in settings of whole exome sequencing in at least one homozygous individual affected with multiple clinical features of Stromme Syndrome, without the combination of internal organ malformations characteristic of the disorder, with evidence of familial co-segregation (e.g. Cappucio_2022). These data indicate that the variant may be associated with disease. To our knowledge, no experimental evidence demonstrating an impact on protein function has been reported. The following publication has been ascertained in the context of this evaluation (PMID: 35488810). One submitter has cited clinical-significance assessments for this variant to ClinVar after 2014 and has classified the variant as uncertain significance. Based on the evidence outlined above, the variant was classified as VUS-possibly pathogenic.

GeneDx
Classification: Uncertain significance. Last evaluated: 2019-08-13. Review status: criteria provided, single submitter. Criteria: GeneDx Variant Classification Process June 2021. Collection method: clinical testing. Allele origin: germline. Affected: yes.
Comment: Not observed at a significant frequency in large population cohorts (Lek et al., 2016); In silico analysis, which includes protein predictors and evolutionary conservation, supports a deleterious effect; Has not been previously published as pathogenic or benign to our knowledge

Literature cited by the submitters: PubMed 35488810 (cited by Women's Health and Genetics/Laboratory Corporation of America, LabCorp).

NM_016343.4(CENPF):c.117T>G (p.Phe39Leu)

Gene: CENPF (centromere protein F; plus strand). Cytogenetic location: 1q41.
Variant type: single nucleotide variant.
Coding change: c.117T>G on transcript NM_016343.4 (MANE Select); coding-DNA position 117, T replaced by G.
Protein change: p.Phe39Leu; replaces phenylalanine 39 with leucine.
Molecular consequence: missense variant.
Genome position (GRCh38, 1-based): chr1:214,613,871, T>G. VCF-style: chr1-214613871-T-G. GRCh37 (hg19) VCF-style: chr1-214787214-T-G.
Other names: short protein forms F39L.
Identifiers: ClinVar variation 1307760 (VCV001307760.3), dbSNP rs746591240, ClinGen allele CA1389663.